The following is an entry in ClinVar:

NM_000350.3(ABCA4):c.1615C>G (p.Leu539Val)

Gene: ABCA4 (ATP binding cassette subfamily A member 4; minus strand). Cytogenetic location: 1p22.1.
Variant type: single nucleotide variant.
Coding change: c.1615C>G on transcript NM_000350.3 (MANE Select); coding-DNA position 1615, C replaced by G.
Protein change: p.Leu539Val; replaces leucine 539 with valine.
Molecular consequence: missense variant.
Genome position (GRCh38, 1-based): chr1:94,063,257, G>C on the plus strand (C>G on the coding strand, the complement: ABCA4 is on the minus strand). VCF-style: chr1-94063257-G-C. GRCh37 (hg19) VCF-style: chr1-94528813-G-C.
Other names: c.1615C>G, p.Leu539Val (NM_001425324.1); short protein forms L539V.
Identifiers: ClinVar variation 875836 (VCV000875836.10), dbSNP rs748615703, ClinGen allele CA958465.
Genomic context (GRCh38, chr1:94,063,257, plus strand): 5'-AGGGATACATGTCAGGGAATACCACTCCGGCCCAGAACATGTTTTCCTCCAGTAGAGAGA[G>C]GGCACGTTGGGTGAGCTGAGTTTCATCATTGTAGCTTTCAAACTTATCCAGGACCAAGCA-3'
Protein context (NP_000341.2, residues 529-549): NDETQLTQRA[Leu539Val]SLLEENMFWA

ClinVar aggregate classification (germline): Uncertain significance. Review status: criteria provided, multiple submitters, no conflicts (2 of 4 stars). 5 submissions from 5 submitters: Uncertain significance (5). Last evaluated 2023-10-01.

Conditions:
Retinal dystrophy. Also called: Inherited retinal dystrophy. Identifiers: Orphanet 71862, MedGen C0854723, MeSH D058499, MONDO:0019118, HP:0000556.
ABCA4-related disorder. Also called: ABCA4-related condition; ABCA4-related disorders. Identifiers: MedGen CN239167.
Inborn genetic diseases. Identifiers: MedGen C0950123, MeSH D030342.

Allele frequency attached by ClinVar (database versions not stated): ExAC 0.00002; gnomAD exomes 0.00002; TOPMed 0.00002.
gnomAD v4.1: 10 of 1,614,172 alleles (0.00062%); highest among the groups gnomAD compares: East Asian, 0.022%; no homozygotes.

Submissions (5):

Dept Of Ophthalmology, Nagoya University
Classification: Uncertain significance for Retinal dystrophy. Last evaluated: 2023-10-01. Review status: criteria provided, single submitter. Criteria: Submitter's publication. Collection method: research. Allele origin: germline. Affected: yes.

Labcorp Genetics (formerly Invitae), Labcorp
Classification: Uncertain significance. Last evaluated: 2022-06-20. Review status: criteria provided, single submitter. Criteria: Invitae Variant Classification Sherloc (09022015). Collection method: clinical testing. Allele origin: germline.
Comment: This sequence change replaces leucine, which is neutral and non-polar, with valine, which is neutral and non-polar, at codon 539 of the ABCA4 protein (p.Leu539Val). This variant is present in population databases (rs748615703, gnomAD 0.02%). This variant has not been reported in the literature in individuals affected with ABCA4-related conditions. ClinVar contains an entry for this variant (Variation ID: 875836). Algorithms developed to predict the effect of missense changes on protein structure and function (SIFT, PolyPhen-2, Align-GVGD) all suggest that this variant is likely to be disruptive. In summary, the available evidence is currently insufficient to determine the role of this variant in disease. Therefore, it has been classified as a Variant of Uncertain Significance.

Blueprint Genetics
Classification: Uncertain significance. Last evaluated: 2021-12-16. Review status: criteria provided, single submitter. Criteria: ACMG Guidelines, 2015. Collection method: clinical testing. Allele origin: germline.

Ambry Genetics
Classification: Uncertain significance for Inborn genetic diseases. Last evaluated: 2021-08-30. Review status: criteria provided, single submitter. Criteria: Ambry Variant Classification Scheme 2023. Collection method: clinical testing. Allele origin: germline.

Illumina Laboratory Services, Illumina
Classification: Uncertain significance for ABCA4-Related Disorders. Last evaluated: 2018-01-12. Review status: criteria provided, single submitter. Criteria: ICSL Variant Classification Criteria 13 December 2019. Collection method: clinical testing. Allele origin: germline.